The following is an entry in ClinVar:

NM_001365536.1(SCN9A):c.713T>C (p.Leu238Ser)

Gene: SCN9A (sodium voltage-gated channel alpha subunit 9; minus strand). Cytogenetic location: 2q24.3.
Variant type: single nucleotide variant.
Coding change: c.713T>C on transcript NM_001365536.1 (MANE Select); coding-DNA position 713, T replaced by C.
Protein change: p.Leu238Ser; replaces leucine 238 with serine.
Molecular consequence: missense variant.
Genome position (GRCh38, 1-based): chr2:166,303,278, A>G on the plus strand (T>C on the coding strand, the complement: SCN9A is on the minus strand). VCF-style: chr2-166303278-A-G. GRCh37 (hg19) VCF-style: chr2-167159788-A-G.
Other names: c.713T>C, p.Leu238Ser (NM_002977.4); short protein forms L238S.
Identifiers: ClinVar variation 1310205 (VCV001310205.2), dbSNP rs1553495258, ClinGen allele CA349093194.

ClinVar aggregate classification (germline): Uncertain significance (1 of 4 stars; one submission).

Submission:

GeneDx
Classification: Uncertain significance. Last evaluated: 2019-11-13. Review status: criteria provided, single submitter. Criteria: GeneDx Variant Classification Process June 2021. Collection method: clinical testing. Allele origin: germline. Affected: yes.
Comment: Not observed in large population cohorts (Lek et al., 2016); In silico analysis, which includes protein predictors and evolutionary conservation, supports a deleterious effect; Has not been previously published as pathogenic or benign to our knowledge